The following is an entry in ClinVar:

ClinVar aggregate classification (germline): Likely benign (0 of 4 stars; one submission).

Conditions:
DCHS2-related disorder. Also called: DCHS2-related condition.

Allele frequency attached by ClinVar (database versions not stated): gnomAD exomes 0.00001; gnomAD 0.00002; TOPMed 0.00003; ExAC 0.00009.
gnomAD v4.1: 51 of 1,532,208 alleles (0.0033%); highest among the groups gnomAD compares: East Asian, 0.027%; no homozygotes.

Submission:

PreventionGenetics, part of Exact Sciences
Classification: Likely benign for DCHS2-related condition. Last evaluated: 2019-08-26. Review status: no assertion criteria provided. Collection method: clinical testing. Allele origin: germline.
Comment: This variant is classified as likely benign based on ACMG/AMP sequence variant interpretation guidelines (Richards et al. 2015 PMID: 25741868, with internal and published modifications).

NM_001358235.2(DCHS2):c.951C>T (p.Arg317=)

Gene: DCHS2 (dachsous cadherin-related 2; minus strand). Cytogenetic location: 4q31.3.
Variant type: single nucleotide variant.
Coding change: c.951C>T on transcript NM_001358235.2 (MANE Select); coding-DNA position 951, C replaced by T.
Protein change: p.Arg317=; no amino-acid change (arginine 317 retained).
Molecular consequence: synonymous variant.
Genome position (GRCh38, 1-based): chr4:154,490,405, G>A on the plus strand (C>T on the coding strand, the complement: DCHS2 is on the minus strand). VCF-style: chr4-154490405-G-A. GRCh37 (hg19) VCF-style: chr4-155411557-G-A.
Other names: c.951C>T, p.Arg317= (NM_001142552.2, NM_001412223.1).
Identifiers: ClinVar variation 3053392 (VCV003053392.2), dbSNP rs371001332, ClinGen allele CA3113859.
Genomic context (GRCh38, chr4:154,490,405, plus strand): 5'-GGCGCGGACGCTGTAGCGCACGAAGCCATTGGGCCCCAGGTCGCGGTCGGTGGCGCGCAC[G>A]CGACAGACCTCGGCGCCCGGCTGGGCGTCCTCGCGCACCGCGGCGCGGTACTCGTCCTGC-3'
Protein context (NP_001345164.1, residues 307-327): EDAQPGAEVC[Arg317=]VRATDRDLGP